The following is an entry in ClinVar:

NM_006231.4(POLE):c.6004+1G>A

Gene: POLE (DNA polymerase epsilon, catalytic subunit; minus strand). Cytogenetic location: 12q24.33.
Variant type: single nucleotide variant.
Coding change: c.6004+1G>A on transcript NM_006231.4 (MANE Select); the canonical splice donor site of the intron after coding-DNA position 6004, G replaced by A.
Molecular consequence: splice donor variant.
Genome position (GRCh38, 1-based): chr12:132,634,185, C>T on the plus strand (G>A on the coding strand, the complement: POLE is on the minus strand). VCF-style: chr12-132634185-C-T. GRCh37 (hg19) VCF-style: chr12-133210771-C-T.
Identifiers: ClinVar variation 956035 (VCV000956035.10), dbSNP rs2041988738, ClinGen allele CA387371393.

ClinVar aggregate classification (germline): Likely pathogenic (1 of 4 stars; one submission).

Submission:

Labcorp Genetics (formerly Invitae), Labcorp
Classification: Likely pathogenic. Last evaluated: 2022-05-12. Review status: criteria provided, single submitter. Criteria: Invitae Variant Classification Sherloc (09022015). Collection method: clinical testing. Allele origin: germline.
Comment: ClinVar contains an entry for this variant (Variation ID: 956035). This sequence change affects a donor splice site in intron 43 of the POLE gene. It is expected to disrupt RNA splicing. Variants that disrupt the donor or acceptor splice site typically lead to a loss of protein function (PMID: 16199547), and loss-of-function variants in POLE are known to be pathogenic (PMID: 23230001, 25948378, 30503519). This variant is not present in population databases (gnomAD no frequency). This variant has not been reported in the literature in individuals affected with POLE-related conditions. Algorithms developed to predict the effect of sequence changes on RNA splicing suggest that this variant may disrupt the consensus splice site. In summary, the currently available evidence indicates that the variant is pathogenic, but additional data are needed to prove that conclusively. Therefore, this variant has been classified as Likely Pathogenic.

Literature cited by the submitters: PubMed 16199547; PubMed 23230001; PubMed 25948378; PubMed 30503519.